The following is an entry in ClinVar:

ClinVar aggregate classification (germline): Conflicting classifications of pathogenicity. Review status: criteria provided, conflicting classifications (1 of 4 stars). 5 submissions from 5 submitters: Uncertain significance (1); Likely benign (2). 2 of the submissions do not count toward it. Last evaluated 2026-01-28.

Conditions:
Duchenne muscular dystrophy (DMD). Also called: MUSCULAR DYSTROPHY, PSEUDOHYPERTROPHIC PROGRESSIVE, DUCHENNE TYPE; Duchenne Muscular Dystrophy (DMD). Identifiers: Orphanet 98896, MedGen C0013264, MONDO:0010679, OMIM 310200.
Cardiovascular phenotype. Identifiers: MedGen CN230736.
DMD-related disorder. Also called: DMD-related condition.
Cardiomyopathy (CMYO). Also called: Cardiomyopathies. Identifiers: Orphanet 167848, MedGen C0878544, MONDO:0004994, HP:0001638. Inheritance: Various modes of inheritance.
Becker muscular dystrophy (BMD). Also called: MUSCULAR DYSTROPHY, PSEUDOHYPERTROPHIC PROGRESSIVE, BECKER TYPE; Becker Muscular Dystrophy (BMD). Identifiers: Orphanet 98895, MedGen C0917713, MONDO:0010311, OMIM 300376.
Dystrophin deficiency.

Allele frequency attached by ClinVar (database versions not stated): gnomAD exomes 0.00001; gnomAD 0.00013; TOPMed 0.00032.
gnomAD v4.1: 26 of 1,209,643 alleles (0.0021%); highest among the groups gnomAD compares: Admixed American, 0.046%; 1 homozygote.

Submissions (5):

Labcorp Genetics (formerly Invitae), Labcorp
Classification: Likely benign for Duchenne muscular dystrophy. Last evaluated: 2026-01-28. Review status: criteria provided, single submitter. Criteria: Invitae Variant Classification Sherloc (09022015). Collection method: clinical testing. Allele origin: germline.

Ambry Genetics
Classification: Likely benign for Cardiovascular phenotype. Last evaluated: 2023-08-30. Review status: criteria provided, single submitter. Criteria: Ambry Variant Classification Scheme 2023. Collection method: clinical testing. Allele origin: germline.

Eurofins Ntd Llc (ga)
Classification: Uncertain significance. Last evaluated: 2017-01-06. Review status: criteria provided, single submitter. Criteria: EGL Classification Definitions 2015. Collection method: clinical testing. Allele origin: germline. Observed: 2 variant alleles, 1 heterozygote, 1 hemizygote.

Natera, Inc.
Classification: Likely benign for Becker muscular dystrophy; Cardiomyopathy; Duchenne muscular dystrophy; Dystrophin deficiency. Last evaluated: 2020-04-15. Review status: no assertion criteria provided. Collection method: clinical testing. Allele origin: germline. Not counted in ClinVar's aggregate classification.

PreventionGenetics, part of Exact Sciences
Classification: Likely benign for DMD-related condition. Last evaluated: 2019-11-21. Review status: no assertion criteria provided. Collection method: clinical testing. Allele origin: germline. Not counted in ClinVar's aggregate classification.
Comment: This variant is classified as likely benign based on ACMG/AMP sequence variant interpretation guidelines (Richards et al. 2015 PMID: 25741868, with internal and published modifications).

NM_004006.3(DMD):c.8706G>A (p.Arg2902=)

Gene: DMD (dystrophin; minus strand). Cytogenetic location: Xp21.2.
Variant type: single nucleotide variant.
Coding change: c.8706G>A on transcript NM_004006.3 (MANE Select); coding-DNA position 8706, G replaced by A.
Protein change: p.Arg2902=; no amino-acid change (arginine 2902 retained).
Molecular consequence: synonymous variant.
Genome position (GRCh38, 1-based): chrX:31,478,337, C>T on the plus strand (G>A on the coding strand, the complement: DMD is on the minus strand). VCF-style: chrX-31478337-C-T. GRCh37 (hg19) VCF-style: chrX-31496454-C-T.
Other names: c.8682G>A, p.Arg2894= (NM_000109.4); c.8694G>A, p.Arg2898= (NM_004009.3); c.8337G>A, p.Arg2779= (NM_004010.3); c.4683G>A, p.Arg1561= (NM_004011.4); c.4674G>A, p.Arg1558= (NM_004012.4); c.1326G>A, p.Arg442= (NM_004013.3, NM_004020.4, NM_004021.3 and 2 more transcripts); c.519G>A, p.Arg173= (NM_004014.3).
Identifiers: ClinVar variation 499297 (VCV000499297.20), dbSNP rs899851642, ClinGen allele CA328434466.